The following is an entry in ClinVar:

ClinVar aggregate classification (germline): Uncertain significance (1 of 4 stars; one submission).

Conditions:
Inborn genetic diseases. Identifiers: MedGen C0950123, MeSH D030342.

Submission:

Ambry Genetics
Classification: Uncertain significance for Inborn genetic diseases. Last evaluated: 2025-01-31. Review status: criteria provided, single submitter. Criteria: Ambry Variant Classification Scheme 2023. Collection method: clinical testing. Allele origin: germline.
Comment: The p.T991S variant (also known as c.2972C>G), located in coding exon 13 of the MECOM gene, results from a C to G substitution at nucleotide position 2972. The threonine at codon 991 is replaced by serine, an amino acid with similar properties. This amino acid position is conserved. In addition, this alteration is predicted to be tolerated by in silico analysis. Based on the available evidence, the clinical significance of this variant remains unclear.

NM_004991.4(MECOM):c.2972C>G (p.Thr991Ser)

Gene: MECOM (MDS1 and EVI1 complex locus; minus strand). Cytogenetic location: 3q26.2.
Variant type: single nucleotide variant.
Coding change: c.2972C>G on transcript NM_004991.4 (MANE Select); coding-DNA position 2972, C replaced by G.
Protein change: p.Thr991Ser; replaces threonine 991 with serine.
Molecular consequence: missense variant.
Genome position (GRCh38, 1-based): chr3:169,095,123, G>C on the plus strand (C>G on the coding strand, the complement: MECOM is on the minus strand). VCF-style: chr3-169095123-G-C. GRCh37 (hg19) VCF-style: chr3-168812911-G-C.
Other names: c.2603C>G, p.Thr868Ser (NM_001105077.4); c.2408C>G, p.Thr803Ser (NM_001105078.4, NM_001205194.2, NM_001366469.2 and 1 more transcripts); c.2384C>G, p.Thr795Ser (NM_001163999.2, NM_001366470.2); c.2381C>G, p.Thr794Ser (NM_001164000.2, NM_001366471.2, NM_001366472.2); c.2945C>G, p.Thr982Ser (NM_001366466.2); c.2411C>G, p.Thr804Ser (NM_001366467.2, NM_001366468.2); c.1973C>G, p.Thr658Ser (NM_001366473.2); c.1409C>G, p.Thr470Ser (NM_001366474.2); short protein forms T991S, T658S, T794S, T803S, T804S, T470S, T795S, T868S.
Identifiers: ClinVar variation 3871773 (VCV003871773.1).